The following is an entry in ClinVar:

NM_003072.5(SMARCA4):c.2305T>C (p.Tyr769His)

Gene: SMARCA4 (SWI/SNF related BAF chromatin remodeling complex subunit ATPase 4; plus strand). Cytogenetic location: 19p13.2.
Variant type: single nucleotide variant.
Coding change: c.2305T>C on transcript NM_003072.5 (MANE Select); coding-DNA position 2305, T replaced by C.
Protein change: p.Tyr769His; replaces tyrosine 769 with histidine.
Molecular consequence: missense variant. On other transcripts: non-coding transcript variant (1).
Genome position (GRCh38, 1-based): chr19:11,012,979, T>C. VCF-style: chr19-11012979-T-C. GRCh37 (hg19) VCF-style: chr19-11123655-T-C.
Other names: c.2305T>C, p.Tyr769His (NM_001128844.3, NM_001128845.2, NM_001128846.2 and 6 more transcripts); short protein forms Y769H.
Identifiers: ClinVar variation 4802564 (VCV004802564.1).

ClinVar aggregate classification (germline): Uncertain significance (1 of 4 stars; one submission).

Conditions:
Rhabdoid tumor predisposition syndrome 2 (RTPS2). Identifiers: Orphanet 231108, Orphanet 69077, MedGen C2750074, MONDO:0013224, OMIM 613325.

Submission:

Labcorp Genetics (formerly Invitae), Labcorp
Classification: Uncertain significance for Rhabdoid tumor predisposition syndrome 2. Last evaluated: 2025-11-15. Review status: criteria provided, single submitter. Criteria: Invitae Variant Classification Sherloc (09022015). Collection method: clinical testing. Allele origin: germline.
Comment: This sequence change replaces tyrosine, which is neutral and polar, with histidine, which is basic and polar, at codon 769 of the SMARCA4 protein (p.Tyr769His). This variant is not present in population databases (gnomAD no frequency). This variant has not been reported in the literature in individuals affected with SMARCA4-related conditions. Invitae Evidence Modeling of protein sequence and biophysical properties (such as structural, functional, and spatial information, amino acid conservation, physicochemical variation, residue mobility, and thermodynamic stability) has been performed for this missense variant. However, the output from this modeling did not meet the statistical confidence thresholds required to predict the impact of this variant on SMARCA4 protein function. In summary, the available evidence is currently insufficient to determine the role of this variant in disease. Therefore, it has been classified as a Variant of Uncertain Significance.